The following is an entry in ClinVar:

ClinVar aggregate classification (germline): Uncertain significance (1 of 4 stars; one submission).

Allele frequency attached by ClinVar (database versions not stated): gnomAD 0.00001.

Submission:

Labcorp Genetics (formerly Invitae), Labcorp
Classification: Uncertain significance. Last evaluated: 2022-08-10. Review status: criteria provided, single submitter. Criteria: Invitae Variant Classification Sherloc (09022015). Collection method: clinical testing. Allele origin: germline.
Comment: Algorithms developed to predict the effect of missense changes on protein structure and function (SIFT, PolyPhen-2, Align-GVGD) all suggest that this variant is likely to be tolerated. In summary, the available evidence is currently insufficient to determine the role of this variant in disease. Therefore, it has been classified as a Variant of Uncertain Significance. ClinVar contains an entry for this variant (Variation ID: 1380160). This variant has not been reported in the literature in individuals affected with DGAT1-related conditions. This variant is not present in population databases (gnomAD no frequency). This sequence change replaces serine, which is neutral and polar, with arginine, which is basic and polar, at codon 398 of the DGAT1 protein (p.Ser398Arg).

NM_012079.6(DGAT1):c.1194C>A (p.Ser398Arg)

Gene: DGAT1 (diacylglycerol O-acyltransferase 1; minus strand). Cytogenetic location: 8q24.3.
Variant type: single nucleotide variant.
Coding change: c.1194C>A on transcript NM_012079.6 (MANE Select); coding-DNA position 1194, C replaced by A.
Protein change: p.Ser398Arg; replaces serine 398 with arginine.
Molecular consequence: missense variant.
Genome position (GRCh38, 1-based): chr8:144,317,076, G>T on the plus strand (C>A on the coding strand, the complement: DGAT1 is on the minus strand). VCF-style: chr8-144317076-G-T. GRCh37 (hg19) VCF-style: chr8-145540739-G-T.
Other names: short protein forms S398R.
Identifiers: ClinVar variation 1380160 (VCV001380160.6), dbSNP rs1286186671, ClinGen allele CA372608225.